The following is an entry in ClinVar:

ClinVar aggregate classification (germline): Uncertain significance. Review status: criteria provided, multiple submitters, no conflicts (2 of 4 stars). 2 submissions from 2 submitters: Uncertain significance (2). Last evaluated 2022-01-13.

Conditions:
Inborn genetic diseases. Identifiers: MedGen C0950123, MeSH D030342.
Benign neonatal seizures. Also called: Benign familial neonatal seizures; Benign familial neonatal epilepsy; Benign neonatal familial convulsions; Convulsions benign familial neonatal dominant form; Autosomal dominant form of benign neonatal seizures. Identifiers: Orphanet 1949, MedGen C0220669, MONDO:0016027.

Submissions (2):

Labcorp Genetics (formerly Invitae), Labcorp
Classification: Uncertain significance for Benign neonatal seizures. Last evaluated: 2022-01-13. Review status: criteria provided, single submitter. Criteria: Invitae Variant Classification Sherloc (09022015). Collection method: clinical testing. Allele origin: germline.
Comment: Advanced modeling of protein sequence and biophysical properties (such as structural, functional, and spatial information, amino acid conservation, physicochemical variation, residue mobility, and thermodynamic stability) performed at Invitae indicates that this missense variant is expected to disrupt KCNQ3 protein function. This sequence change replaces glycine, which is neutral and non-polar, with glutamic acid, which is acidic and polar, at codon 320 of the KCNQ3 protein (p.Gly320Glu). This variant is not present in population databases (gnomAD no frequency). This missense change has been observed in individual(s) with clinical features of KCNQ3-related conditions (PMID: 29778030; Invitae). ClinVar contains an entry for this variant (Variation ID: 577120). In summary, the available evidence is currently insufficient to determine the role of this variant in disease. Therefore, it has been classified as a Variant of Uncertain Significance.

Ambry Genetics
Classification: Uncertain significance for Inborn genetic diseases. Last evaluated: 2016-12-20. Review status: criteria provided, single submitter. Criteria: Ambry Variant Classification Scheme 2023. Collection method: clinical testing. Allele origin: germline.
Comment: The p.G320E variant (also known as c.959G>A), located in coding exon 6 of the KCNQ3 gene, results from a G to A substitution at nucleotide position 959. The glycine at codon 320 is replaced by glutamic acid, an amino acid with similar properties. This amino acid position is highly conserved in available vertebrate species. In addition, this alteration is predicted to be deleterious by in silico analysis. Since supporting evidence is limited at this time, the clinical significance of this alteration remains unclear.

Literature cited by the submitters: PubMed 29778030 (cited by Labcorp Genetics (formerly Invitae), Labcorp).

NM_004519.4(KCNQ3):c.959G>A (p.Gly320Glu)

Gene: KCNQ3 (potassium voltage-gated channel subfamily Q member 3; minus strand). Cytogenetic location: 8q24.22.
Variant type: single nucleotide variant.
Coding change: c.959G>A on transcript NM_004519.4 (MANE Select); coding-DNA position 959, G replaced by A.
Protein change: p.Gly320Glu; replaces glycine 320 with glutamic acid.
Molecular consequence: missense variant.
Genome position (GRCh38, 1-based): chr8:132,174,324, C>T on the plus strand (G>A on the coding strand, the complement: KCNQ3 is on the minus strand). VCF-style: chr8-132174324-C-T. GRCh37 (hg19) VCF-style: chr8-133186571-C-T.
Other names: c.599G>A, p.Gly200Glu (NM_001204824.2); short protein forms G320E, G200E.
Identifiers: ClinVar variation 577120 (VCV000577120.13), dbSNP rs1563787894, ClinGen allele CA372290225.
Genomic context (GRCh38, chr8:132,174,324, plus strand): 5'-CCAATTAAGGAAAAGGTGGCGGCAATCAGACGGCCTTCCCACGTTTTGGGTGTCTTGTCT[C>T]CATAGCCAATGGTGGCCAGTGTGATCTGAAGAGAGAAGAGTTCAGACATGGAGTACCACA-3'
Protein context (NP_004510.1, residues 310-330): GLITLATIGY[Gly320Glu]DKTPKTWEGR